The following is an entry in ClinVar:

ClinVar aggregate classification (germline): Uncertain significance (1 of 4 stars; one submission).

Submission:

GeneDx
Classification: Uncertain significance. Last evaluated: 2025-08-08. Review status: criteria provided, single submitter. Criteria: GeneDx Variant Classification Process June 2021. Collection method: clinical testing. Allele origin: germline. Affected: yes.
Comment: Not observed at significant frequency in large population cohorts (gnomAD); In silico analysis supports that this missense variant has a deleterious effect on protein structure/function; Has not been previously published as pathogenic or benign to our knowledge; This variant is associated with the following publications: (PMID: 11756419, 16324214)

NM_000268.4(NF2):c.271C>T (p.Pro91Ser)

Gene: NF2 (NF2, moesin-ezrin-radixin like (MERLIN) tumor suppressor; plus strand). Cytogenetic location: 22q12.2.
Variant type: single nucleotide variant.
Coding change: c.271C>T on transcript NM_000268.4 (MANE Select); coding-DNA position 271, C replaced by T.
Protein change: p.Pro91Ser; replaces proline 91 with serine.
Molecular consequence: missense variant. On other transcripts: intron variant (8), 5 prime UTR variant (1).
Genome position (GRCh38, 1-based): chr22:29,639,120, C>T. VCF-style: chr22-29639120-C-T. GRCh37 (hg19) VCF-style: chr22-30035109-C-T.
Other names: c.271C>T, p.Pro91Ser (NM_016418.5, NM_181825.3, NM_181832.3 and 5 more transcripts); c.145C>T, p.Pro49Ser (NM_181828.3, NM_001407055.1); c.240+2244C>T (NM_001407058.1, NM_181829.3, NM_001407054.1 and 1 more transcripts); c.115-3082C>T (NM_001407063.1, NM_181830.3, NM_001407064.1 and 1 more transcripts); c.157C>T, p.Pro53Ser (NM_001407053.1, NM_001407056.1); c.-370C>T (NM_001407065.1); c.40C>T, p.Pro14Ser (NM_001407067.1); short protein forms P14S, P49S, P53S, P91S.
Identifiers: ClinVar variation 4755640 (VCV004755640.1).
Genomic context (GRCh38, chr22:29,639,120, plus strand): 5'-GTGTTTGTCTTTTGCTCTGCAATTCTGCAGGTACTGGATCATGATGTTTCAAAGGAAGAA[C>T]CAGTCACCTTTCACTTCTTGGCCAAATTTTATCCTGAGAATGCTGAAGAGGAGCTGGTTC-3'
Protein context (NP_000259.1, residues 81-101): VLDHDVSKEE[Pro91Ser]VTFHFLAKFY